The following is an entry in ClinVar:

ClinVar aggregate classification (germline): Uncertain significance. Review status: criteria provided, multiple submitters, no conflicts (2 of 4 stars). 2 submissions from 2 submitters: Uncertain significance (2). Last evaluated 2022-02-18.

Conditions:
Cornelia de Lange syndrome 1 (CDLS1). Also called: Brachmann de Lange syndrome; NIPBL-Related Cornelia de Lange Syndrome; TYPUS DEGENERATIVUS AMSTELODAMENSIS. Identifiers: Orphanet 199, MedGen C4551851, MONDO:0007387, OMIM 122470.

Allele frequency attached by ClinVar (database versions not stated): TOPMed 0.00001.

Submissions (2):

Fulgent Genetics
Classification: Uncertain significance for Cornelia de Lange syndrome 1. Last evaluated: 2022-02-18. Review status: criteria provided, single submitter. Criteria: ACMG Guidelines, 2015. Collection method: clinical testing. Allele origin: unknown.

Labcorp Genetics (formerly Invitae), Labcorp
Classification: Uncertain significance for Cornelia de Lange syndrome 1. Last evaluated: 2018-10-06. Review status: criteria provided, single submitter. Criteria: Invitae Variant Classification Sherloc (09022015). Collection method: clinical testing. Allele origin: germline.
Comment: In summary, the available evidence is currently insufficient to determine the role of this variant in disease. Therefore, it has been classified as a Variant of Uncertain Significance. Algorithms developed to predict the effect of missense changes on protein structure and function are either unavailable or do not agree on the potential impact of this missense change (SIFT: "Deleterious"; PolyPhen-2: "Probably Damaging"; Align-GVGD: "Class C0"). This variant has not been reported in the literature in individuals with NIPBL-related disease. This variant is not present in population databases (ExAC no frequency). This sequence change replaces arginine with tryptophan at codon 2152 of the NIPBL protein (p.Arg2152Trp). The arginine residue is moderately conserved and there is a moderate physicochemical difference between arginine and tryptophan.

NM_133433.4(NIPBL):c.6454C>T (p.Arg2152Trp)

Gene: NIPBL (NIPBL cohesin loading factor; plus strand). Cytogenetic location: 5p13.2.
Variant type: single nucleotide variant.
Coding change: c.6454C>T on transcript NM_133433.4 (MANE Select); coding-DNA position 6454, C replaced by T.
Protein change: p.Arg2152Trp; replaces arginine 2152 with tryptophan.
Molecular consequence: missense variant.
Genome position (GRCh38, 1-based): chr5:37,045,553, C>T. VCF-style: chr5-37045553-C-T. GRCh37 (hg19) VCF-style: chr5-37045655-C-T.
Other names: c.6454C>T, p.Arg2152Trp (NM_015384.5); short protein forms R2152W.
Identifiers: ClinVar variation 647300 (VCV000647300.9), dbSNP rs1579561078, ClinGen allele CA359504660.